The following is an entry in ClinVar:

ClinVar aggregate classification (germline): Benign/Likely benign. Review status: criteria provided, multiple submitters, no conflicts (2 of 4 stars). 8 submissions from 8 submitters: Benign (2); Likely benign (6). Last evaluated 2025-12-22.

Conditions:
Maturity-onset diabetes of the young (MODY). Also called: Maturity onset diabetes mellitus in young. Identifiers: Orphanet 552, MedGen C0342276, MONDO:0018911, HP:0004904.
Type 2 diabetes mellitus. Also called: Type II diabetes mellitus. Identifiers: MedGen C0011860, MeSH D003924, MONDO:0005148, OMIM 125853, HP:0005978.
Diabetes mellitus type 1 (T1D). Also called: Diabetes Mellitus, Juvenile-Onset; Type I diabetes mellitus. Identifiers: MedGen C0011854, MONDO:0005147, OMIM 222100, HP:0100651.
Maturity-onset diabetes of the young type 3. Also called: MODY type 3; MODY, type III. Identifiers: Orphanet 552, MedGen C1838100, MeSH C563933, MONDO:0010894, OMIM 600496. Disease mechanism: loss of function.
Hepatic adenomas, familial. Also called: LIVER CELL ADENOMAS, FAMILIAL; HEPATIC ADENOMA, SOMATIC. Identifiers: MedGen C1840646, MONDO:0007718, OMIM 142330.
Type 1 diabetes mellitus 20 (T1D20). Also called: Diabetes mellitus, insulin-dependent, 20. Identifiers: MedGen C2675866, MONDO:0012919, OMIM 612520.
Nonpapillary renal cell carcinoma. Identifiers: Orphanet 422526, MedGen CN074294, MONDO:0007763, OMIM 144700.

Allele frequency attached by ClinVar (database versions not stated): ESP Exome Variant Server 0.00015; gnomAD exomes 0.00018 and 0.00025; ExAC 0.00020; gnomAD 0.00021 and 0.00024; TOPMed 0.00026; 1000 Genomes Project 0.00060.
gnomAD v4.1: 393 of 1,613,532 alleles (0.024%); highest among the groups gnomAD compares: Non-Finnish European, 0.031%; no homozygotes.

Submissions (8):

Labcorp Genetics (formerly Invitae), Labcorp
Classification: Likely benign. Last evaluated: 2025-12-22. Review status: criteria provided, single submitter. Criteria: Invitae Variant Classification Sherloc (09022015). Collection method: clinical testing. Allele origin: germline.

Blueprint Genetics
Classification: Likely benign. Last evaluated: 2024-11-27. Review status: criteria provided, single submitter. Criteria: ACMG Guidelines, 2015. Collection method: clinical testing. Allele origin: germline.

Women's Health and Genetics/Laboratory Corporation of America, LabCorp
Classification: Benign. Last evaluated: 2024-11-11. Review status: criteria provided, single submitter. Criteria: LabCorp Variant Classification Summary - May 2015. Collection method: clinical testing. Allele origin: germline.

CeGaT Center for Human Genetics Tuebingen
Classification: Likely benign. Last evaluated: 2022-06-01. Review status: criteria provided, single submitter. Criteria: CeGaT Center For Human Genetics Tuebingen Variant Classification Criteria Version 2. Collection method: clinical testing. Allele origin: germline. Affected: yes. Observed: 1 variant allele.
Comment: HNF1A: BP4, BP7

Fulgent Genetics
Classification: Likely benign for Type 2 diabetes mellitus; Hepatic adenomas, familial; Nonpapillary renal cell carcinoma; Diabetes mellitus type 1; Maturity-onset diabetes of the young type 3; Type 1 diabetes mellitus 20. Last evaluated: 2021-07-15. Review status: criteria provided, single submitter. Criteria: ACMG Guidelines, 2015. Collection method: clinical testing. Allele origin: unknown.

Athena Diagnostics
Classification: Likely benign. Last evaluated: 2017-05-05. Review status: criteria provided, single submitter. Criteria: Athena Diagnostics Criteria. Collection method: clinical testing. Allele origin: germline.

Ambry Genetics
Classification: Likely benign for Maturity-onset diabetes of the young. Last evaluated: 2016-07-28. Review status: criteria provided, single submitter. Criteria: Ambry Variant Classification Scheme 2023. Collection method: clinical testing. Allele origin: germline.

Clinical Genomics, Uppaluri K&H Personalized Medicine Clinic
Classification: Benign for Maturity-onset diabetes of the young. Review status: criteria provided, single submitter. Criteria: K & H Uppaluri Personalized Medicine Clinic Variant Classification & Assertion Criteria_Updated V.1. Collection method: research. Allele origin: unknown. Inheritance: Autosomal dominant inheritance.
Comment: Mutations in HNF1A gene can predispose to MODY3. It is associated with both micro and macrovascular complications of diabetes, especially cardiovascular complications. Associated with glucosuria. May respond well to sulfonylureas. However, more evidence is required to confer the association of this particular variant rs143015301 with MODY3.

Literature cited by the submitters: PubMed 31517624 (cited by Clinical Genomics, Uppaluri K&H Personalized Medicine Clinic); PubMed 32395877 (cited by Clinical Genomics, Uppaluri K&H Personalized Medicine Clinic); PubMed 35328643 (cited by Clinical Genomics, Uppaluri K&H Personalized Medicine Clinic); PubMed 35673428 (cited by Clinical Genomics, Uppaluri K&H Personalized Medicine Clinic).

NM_000545.8(HNF1A):c.1386C>T (p.Val462=)

Gene: HNF1A (HNF1 homeobox A; plus strand). Cytogenetic location: 12q24.31.
Variant type: single nucleotide variant.
Coding change: c.1386C>T on transcript NM_000545.8 (MANE Select); coding-DNA position 1386, C replaced by T.
Protein change: p.Val462=; no amino-acid change (valine 462 retained).
Molecular consequence: synonymous variant.
Genome position (GRCh38, 1-based): chr12:120,997,550, C>T. VCF-style: chr12-120997550-C-T. GRCh37 (hg19) VCF-style: chr12-121435353-C-T.
Other names: c.1386C>T, p.Val462= (NM_001306179.2).
Identifiers: ClinVar variation 447482 (VCV000447482.40), dbSNP rs143015301, ClinGen allele CA6832033.